The following is an entry in ClinVar:

ClinVar aggregate classification (germline): Uncertain significance (1 of 4 stars; one submission).

Submission:

Labcorp Genetics (formerly Invitae), Labcorp
Classification: Uncertain significance. Last evaluated: 2020-12-18. Review status: criteria provided, single submitter. Criteria: Invitae Variant Classification Sherloc (09022015). Collection method: clinical testing. Allele origin: germline.
Comment: In summary, the available evidence is currently insufficient to determine the role of this variant in disease. Therefore, it has been classified as a Variant of Uncertain Significance. Experimental studies and prediction algorithms are not available or were not evaluated, and the functional significance of this variant is currently unknown. This variant has not been reported in the literature in individuals with VAV1-related conditions. This variant is not present in population databases (ExAC no frequency). This variant, c.145_147del, results in the deletion of 1 amino acid(s) of the VAV1 protein (p.Asn49del), but otherwise preserves the integrity of the reading frame.

NM_005428.4(VAV1):c.142AAC[1] (p.Asn49del)

Gene: VAV1 (vav guanine nucleotide exchange factor 1; plus strand). Cytogenetic location: 19p13.3.
Variant type: Microsatellite.
Coding change: c.142AAC[1] on transcript NM_005428.4 (MANE Select); one copy of the 3-base unit AAC starting at c.142; the reference has two copies in a row; one copy, 3 bases deleted.
Protein change: p.Asn49del; deletes asparagine 49.
Molecular consequence: inframe deletion.
Genome position (GRCh38, 1-based): chr19:6,772,952-6,772,954, AAC deleted; deleting any 3 consecutive bases within chr19:6,772,949-6,772,954 gives the same sequence; the position shown is the placement nearest the transcript's 3' end. VCF-style (leftmost placement, unchanged base first): chr19-6772948-TAAC-T. GRCh37 (hg19) VCF-style: chr19-6772959-TAAC-T.
Other names: c.142AAC[1], p.Asn49del (NM_001258206.2, NM_001258207.2); short protein forms N49del.
Identifiers: ClinVar variation 1509152 (VCV001509152.8), dbSNP rs1310252736, ClinGen allele CA403648218.